The following is an entry in ClinVar:

ClinVar aggregate classification (germline): Benign. Review status: criteria provided, multiple submitters, no conflicts (2 of 4 stars). 2 submissions from 2 submitters: Benign (2). Last evaluated 2025-12-19.

Allele frequency attached by ClinVar (database versions not stated): TOPMed 0.01767; 1000 Genomes Project 0.01697; 1000 Genomes Project 30x 0.01733.
gnomAD v4.1: 2,404 of 152,222 alleles (1.6%); highest among the groups gnomAD compares: African/African-American, 5.6%; 67 homozygotes.

Submissions (2):

Dasa
Classification: Benign. Last evaluated: 2025-12-19. Review status: criteria provided, single submitter. Criteria: DASA Assertion Criteria. Collection method: clinical testing. Allele origin: germline.
Comment: NM_000268.4(NF2):c.516+259A>C is an intronic variant. Population frequency is inconsistent with a disease-causing role for this variant, observations in unaffected individuals support a benign interpretation, and the variant context is inconsistent with a known disease-causing mechanism. Therefore, based on the currently available evidence, this variant is classified as benign.

GeneDx
Classification: Benign. Last evaluated: 2018-09-29. Review status: criteria provided, single submitter. Criteria: GeneDx Variant Classification Process June 2021. Collection method: clinical testing. Allele origin: germline. Affected: yes.

NM_000268.4(NF2):c.516+259A>C

Gene: NF2 (NF2, moesin-ezrin-radixin like (MERLIN) tumor suppressor; plus strand). Cytogenetic location: 22q12.2.
Variant type: single nucleotide variant.
Coding change: c.516+259A>C on transcript NM_000268.4 (MANE Select); 259 bases into the intron after coding-DNA position 516, A replaced by C.
Molecular consequence: intron variant.
Genome position (GRCh38, 1-based): chr22:29,654,984, A>C. VCF-style: chr22-29654984-A-C. GRCh37 (hg19) VCF-style: chr22-30050973-A-C.
Other names: c.516+259A>C (NM_016418.5, NM_181832.3, NM_181825.3); c.447+12699A>C (NM_181833.3); c.393+259A>C (NM_181829.3); c.390+259A>C (NM_181828.3); c.267+259A>C (NM_181830.3, NM_181831.3).
Identifiers: ClinVar variation 1225893 (VCV001225893.5), dbSNP rs11913715, ClinGen allele CA323109836.